The following is an entry in ClinVar:

NM_004813.4(PEX16):c.535C>T (p.Gln179Ter)

Gene: PEX16 (peroxisomal biogenesis factor 16; minus strand). Cytogenetic location: 11p11.2.
Variant type: single nucleotide variant.
Coding change: c.535C>T on transcript NM_004813.4 (MANE Select); coding-DNA position 535, C replaced by T.
Protein change: p.Gln179Ter; replaces glutamine 179 with a stop codon.
Molecular consequence: nonsense.
Genome position (GRCh38, 1-based): chr11:45,914,610, G>A on the plus strand (C>T on the coding strand, the complement: PEX16 is on the minus strand). VCF-style: chr11-45914610-G-A. GRCh37 (hg19) VCF-style: chr11-45936161-G-A.
Other names: c.535C>T, p.Gln179Ter (NM_057174.3); short protein forms Q179*.
Identifiers: ClinVar variation 2010587 (VCV002010587.4), dbSNP rs1447178623, ClinGen allele CA380227242.
Genomic context (GRCh38, chr11:45,914,610, plus strand): 5'-CAAGCCCAGGCAGACAGCACCTAGGTGCCCAGGCCAGCCACATCCTCCACTTACTGTTCT[G>A]GAGGGTTCGCACCACCCGGTTTGACCGCTTCCCCACGTAGGACTGCTCATGGTTGCCAGG-3'

ClinVar aggregate classification (germline): Pathogenic (1 of 4 stars; one submission).

Conditions:
Peroxisome biogenesis disorder. Identifiers: Orphanet 79189, MedGen C1832200, MONDO:0019234. Disease mechanism: loss of function.

Allele frequency attached by ClinVar (database versions not stated): TOPMed below 0.00001.

Submission:

Labcorp Genetics (formerly Invitae), Labcorp
Classification: Pathogenic for Peroxisome biogenesis disorder. Last evaluated: 2022-06-25. Review status: criteria provided, single submitter. Criteria: Invitae Variant Classification Sherloc (09022015). Collection method: clinical testing. Allele origin: germline.
Comment: For these reasons, this variant has been classified as Pathogenic. This sequence change creates a premature translational stop signal (p.Gln179*) in the PEX16 gene. It is expected to result in an absent or disrupted protein product. Loss-of-function variants in PEX16 are known to be pathogenic (PMID: 9837814, 11890679, 20647552, 20681997). This variant is not present in population databases (gnomAD no frequency). This variant has not been reported in the literature in individuals affected with PEX16-related conditions.

Literature cited by the submitters: PubMed 9837814; PubMed 11890679; PubMed 20647552; PubMed 20681997.